The following is an entry in ClinVar:

NM_001458.5(FLNC):c.7385-3_7385-2del

Genes: FLNC-AS1 (FLNC antisense RNA 1; minus strand), FLNC (filamin C; plus strand). Cytogenetic location: 7q32.1.
Variant type: Microsatellite.
Coding change: c.7385-3_7385-2del on transcript NM_001458.5 (MANE Select); 3 bases into the intron before coding-DNA position 7385 through the canonical splice acceptor site of the intron before coding-DNA position 7385, 2 bases deleted (CA; older notation c.7385-3_7385-2delCA).
Molecular consequence: splice acceptor variant.
Genome position (GRCh38, 1-based): chr7:128,856,742-128,856,743, CA deleted; deleting any 2 consecutive bases within chr7:128,856,740-128,856,743 gives the same sequence; the c. name uses the placement nearest the transcript's 3' end. VCF-style (leftmost placement, unchanged base first): chr7-128856739-CCA-C. GRCh37 (hg19) VCF-style: chr7-128496793-CCA-C.
Other names: c.7286-3_7286-2del (NM_001127487.2).
Identifiers: ClinVar variation 3759004 (VCV003759004.2).

ClinVar aggregate classification (germline): Uncertain significance (1 of 4 stars; one submission).

Conditions:
Distal myopathy with posterior leg and anterior hand involvement. Also called: WILLIAMS DISTAL MYOPATHY. Identifiers: Orphanet 63273, MedGen C3279722, MONDO:0013550, OMIM 614065.
Hypertrophic cardiomyopathy 26. Also called: Cardiomyopathy, familial hypertrophic, 26. Identifiers: Orphanet 75249, MedGen C4310749, MONDO:0014883, OMIM 617047.
Myofibrillar myopathy 5. Also called: Filaminopathy (type); FILAMINOPATHY, AUTOSOMAL DOMINANT. Identifiers: Orphanet 171445, MedGen C1836050, MONDO:0012289, OMIM 609524.

Submission:

Labcorp Genetics (formerly Invitae), Labcorp
Classification: Uncertain significance for Distal myopathy with posterior leg and anterior hand involvement; Myofibrillar myopathy 5; Hypertrophic cardiomyopathy 26. Last evaluated: 2024-09-19. Review status: criteria provided, single submitter. Criteria: Invitae Variant Classification Sherloc (09022015). Collection method: clinical testing. Allele origin: germline.
Comment: This sequence change falls in intron 44 of the FLNC gene. It does not directly change the encoded amino acid sequence of the FLNC protein. This variant is not present in population databases (gnomAD no frequency). This variant has not been reported in the literature in individuals affected with FLNC-related conditions. Experimental studies and prediction algorithms are not available or were not evaluated, and the effect of this variant on mRNA splicing is currently unknown. In summary, the available evidence is currently insufficient to determine the role of this variant in disease. Therefore, it has been classified as a Variant of Uncertain Significance.